The following is an entry in ClinVar:

ClinVar aggregate classification (germline): Uncertain significance (1 of 4 stars; one submission).

Allele frequency attached by ClinVar (database versions not stated): TOPMed below 0.00001; gnomAD 0.00002.
gnomAD v4.1: 3 of 1,613,870 alleles (0.00019%); highest among the groups gnomAD compares: African/African-American, 0.004%; no homozygotes.

Submission:

Labcorp Genetics (formerly Invitae), Labcorp
Classification: Uncertain significance. Last evaluated: 2022-05-11. Review status: criteria provided, single submitter. Criteria: Invitae Variant Classification Sherloc (09022015). Collection method: clinical testing. Allele origin: germline.
Comment: This sequence change replaces aspartic acid, which is acidic and polar, with glycine, which is neutral and non-polar, at codon 606 of the MAP3K20 protein (p.Asp606Gly). This variant is not present in population databases (gnomAD no frequency). This variant has not been reported in the literature in individuals affected with MAP3K20-related conditions. Experimental studies and prediction algorithms are not available or were not evaluated, and the functional significance of this variant is currently unknown. In summary, the available evidence is currently insufficient to determine the role of this variant in disease. Therefore, it has been classified as a Variant of Uncertain Significance.

NM_016653.3(MAP3K20):c.1817A>G (p.Asp606Gly)

Genes: MAP3K20 (mitogen-activated protein kinase kinase kinase 20; plus strand), MAP3K20-AS1 (MAP3K20 antisense RNA 1; minus strand). Cytogenetic location: 2q31.1.
Variant type: single nucleotide variant.
Coding change: c.1817A>G on transcript NM_016653.3 (MANE Select); coding-DNA position 1817, A replaced by G.
Protein change: p.Asp606Gly; replaces aspartic acid 606 with glycine.
Molecular consequence: missense variant.
Genome position (GRCh38, 1-based): chr2:173,266,164, A>G. VCF-style: chr2-173266164-A-G. GRCh37 (hg19) VCF-style: chr2-174130892-A-G.
Other names: short protein forms D606G.
Identifiers: ClinVar variation 1971344 (VCV001971344.3), dbSNP rs1485068534, ClinGen allele CA349317207.
Genomic context (GRCh38, chr2:173,266,164, plus strand): 5'-CTTCTTTACAGCGTTCCCAGAGCAATCCTATTCTGGGGTCACCGTTCTTCTCACACTTTG[A>G]TGGCCAGGATTCCTACGCTGCTGCTGTGAGACGGCCCCAGGTGCCCATTAAGTATCAACA-3'
Protein context (NP_057737.2, residues 596-616): ILGSPFFSHF[Asp606Gly]GQDSYAAAVR